The following is an entry in ClinVar:

ClinVar aggregate classification (germline): Uncertain significance (1 of 4 stars; one submission).

Submission:

GeneDx
Classification: Uncertain significance. Last evaluated: 2025-04-03. Review status: criteria provided, single submitter. Criteria: GeneDx Variant Classification Process June 2021. Collection method: clinical testing. Allele origin: germline. Affected: yes.
Comment: Not observed at significant frequency in large population cohorts (gnomAD); In silico analysis indicates that this missense variant does not alter protein structure/function; Has not been previously published as pathogenic or benign to our knowledge

NM_001375524.1(TRRAP):c.8330A>G (p.Lys2777Arg)

Gene: TRRAP (transformation/transcription domain associated protein; plus strand). Cytogenetic location: 7q22.1.
Variant type: single nucleotide variant.
Coding change: c.8330A>G on transcript NM_001375524.1 (MANE Select); coding-DNA position 8330, A replaced by G.
Protein change: p.Lys2777Arg; replaces lysine 2777 with arginine.
Molecular consequence: missense variant.
Genome position (GRCh38, 1-based): chr7:98,977,021, A>G. VCF-style: chr7-98977021-A-G. GRCh37 (hg19) VCF-style: chr7-98574644-A-G.
Other names: c.8309A>G, p.Lys2770Arg (NM_001244580.2); c.8255A>G, p.Lys2752Arg (NM_003496.4); short protein forms K2752R, K2770R, K2777R.
Identifiers: ClinVar variation 4278702 (VCV004278702.1).
Genomic context (GRCh38, chr7:98,977,021, plus strand): 5'-AGCTTTACTCCCTGTTACAAGAGGAAGATATGTGGGCTGGTCTGTGGCAGAAGCGGTGCA[A>G]GTACTCGGAGACAGCGACTGCGATTGCTTACGAGCAGCACGGGTTCTTTGAGCAGGTAAA-3'
Protein context (NP_001362453.1, residues 2767-2787): MWAGLWQKRC[Lys2777Arg]YSETATAIAY